The following is an entry in ClinVar:

NM_025114.4(CEP290):c.143_144dup (p.Ile49Ter)

Gene: CEP290 (centrosomal protein 290; minus strand). Cytogenetic location: 12q21.32.
Variant type: Microsatellite.
Coding change: c.143_144dup on transcript NM_025114.4 (MANE Select); coding-DNA positions 143 to 144, 2 bases duplicated (TG; older notation c.143_144dupTG).
Protein change: p.Ile49Ter; replaces isoleucine 49 with a stop codon.
Molecular consequence: nonsense.
Genome position (GRCh38, 1-based): chr12:88,140,992-88,140,993, CA duplicated on the plus strand (TG on the coding strand, the reverse complement: CEP290 is on the minus strand); duplicating any 2 consecutive bases within chr12:88,140,992-88,140,995 gives the same sequence; the c. name uses the placement nearest the transcript's 3' end. VCF-style (leftmost placement, unchanged base first): chr12-88140991-T-TCA. GRCh37 (hg19) VCF-style: chr12-88534768-T-TCA.
Other names: short protein forms I49*.
Identifiers: ClinVar variation 3755298 (VCV003755298.2).

ClinVar aggregate classification (germline): Pathogenic (1 of 4 stars; one submission).

Conditions:
Joubert syndrome. Also called: CEREBELLOPARENCHYMAL DISORDER IV; JOUBERT-BOLTSHAUSER SYNDROME; Familial aplasia of the vermis. Identifiers: Orphanet 475, MedGen C5979921, MONDO:0018772.
Nephronophthisis. Also called: Juvenile Nephronophthisis. Identifiers: Orphanet 655, MedGen C0687120, MONDO:0019005, HP:0000090.
Meckel-Gruber syndrome. Also called: DYSENCEPHALIA SPLANCHNOCYSTICA; GRUBER SYNDROME; Dysencephalia splachnocystica. Identifiers: Orphanet 564, MedGen C0265215, MONDO:0018921.

Submission:

Labcorp Genetics (formerly Invitae), Labcorp
Classification: Pathogenic for Joubert syndrome; Meckel-Gruber syndrome; Nephronophthisis. Last evaluated: 2024-03-14. Review status: criteria provided, single submitter. Criteria: Invitae Variant Classification Sherloc (09022015). Collection method: clinical testing. Allele origin: germline.
Comment: This sequence change creates a premature translational stop signal (p.Ile49*) in the CEP290 gene. It is expected to result in an absent or disrupted protein product. Loss-of-function variants in CEP290 are known to be pathogenic (PMID: 16909394, 17345604, 20690115). This variant is not present in population databases (gnomAD no frequency). This variant has not been reported in the literature in individuals affected with CEP290-related conditions. Algorithms developed to predict the effect of sequence changes on RNA splicing suggest that this variant may disrupt the consensus splice site. For these reasons, this variant has been classified as Pathogenic.

Literature cited by the submitters: PubMed 16909394; PubMed 17345604; PubMed 20690115.